The following is an entry in ClinVar:

NM_007194.4(CHEK2):c.1260-20CT[3]

Gene: CHEK2 (checkpoint kinase 2; minus strand). Cytogenetic location: 22q12.1.
Variant type: Microsatellite.
Coding change: c.1260-20CT[3] on transcript NM_007194.4 (MANE Select); three copies in a row of the 2-base unit CT starting at c.1260-20; the reference has four copies in a row; one copy, 2 bases deleted.
Molecular consequence: intron variant.
Genome position (GRCh38, 1-based): chr22:28,695,255-28,695,256, AG deleted on the plus strand (CT on the coding strand, the reverse complement: CHEK2 is on the minus strand); deleting any 2 consecutive bases within chr22:28,695,255-28,695,263 gives the same sequence; the position shown is the placement nearest the transcript's 3' end. VCF-style (leftmost placement, unchanged base first): chr22-28695254-TAG-T. GRCh37 (hg19) VCF-style: chr22-29091242-TAG-T.
Other names: c.1260-14_1260-13delCT (NM_007194.3); c.597-20CT[3] (NM_001437942.1, NM_001257387.3); c.1059-20CT[3] (NM_001349956.3); c.1173-20CT[3] (NM_145862.3); c.1266-20CT[3] (NM_001438295.1); c.1353-20CT[3] (NM_001438293.1); c.1302-20CT[3] (NM_001438294.1); c.1389-20CT[3] (NM_001005735.3).
Identifiers: ClinVar variation 491595 (VCV000491595.16), dbSNP rs760037989, ClinGen allele CA658684271.
Genomic context (GRCh38, chr22:28,695,254, plus strand): 5'-CAGTGACACTTGAGTCCTATGCTCAGAGAAAGGTGGATACCCACTAAGGCTTAATATTGG[TAG>T]AGAGAGAAAGGAAAAGAAATCAAGTGGCATTCTCAGTGGCATTCAGATATAAAGATTTCT-3'

ClinVar aggregate classification (germline): Conflicting classifications of pathogenicity. Review status: criteria provided, conflicting classifications (1 of 4 stars). 5 submissions from 5 submitters: Uncertain significance (2); Likely benign (3). Last evaluated 2025-11-24.

Conditions:
Hereditary cancer-predisposing syndrome. Also called: Hereditary neoplastic syndrome; Tumor predisposition; Hereditary Cancer Syndrome; Neoplastic Syndromes, Hereditary. Identifiers: Orphanet 140162, MedGen C0027672, MeSH D009386, MONDO:0015356.
Familial cancer of breast. Also called: Hereditary breast cancer; hereditary breast carcinoma; BREAST CANCER, FAMILIAL. Identifiers: Orphanet 227535, MedGen C0346153, MONDO:0016419, OMIM 114480. Disease mechanism: loss of function.

Submissions (5):

Labcorp Genetics (formerly Invitae), Labcorp
Classification: Likely benign for Familial cancer of breast. Last evaluated: 2025-11-24. Review status: criteria provided, single submitter. Criteria: Invitae Variant Classification Sherloc (09022015). Collection method: clinical testing. Allele origin: germline.

Myriad Genetics, Inc.
Classification: Likely benign for Familial cancer of breast. Last evaluated: 2024-10-07. Review status: criteria provided, single submitter. Criteria: Myriad Autosomal Dominant, Autosomal Recessive and X-Linked Classification Criteria (2023). Collection method: clinical testing. Allele origin: unknown.
Comment: This variant is considered likely benign. This variant is intronic and is not expected to impact mRNA splicing.

Sema4
Classification: Uncertain significance for Hereditary cancer-predisposing syndrome. Last evaluated: 2021-06-20. Review status: criteria provided, single submitter. Criteria: Sema4 Curation Guidelines. Collection method: curation. Allele origin: germline.
Comment: The CHEK2 c.1260-14_1260-13delCT variant has not been reported in the literature to our knowledge. It was not observed in the large and broad cohorts of the Genome Aggregation Database (PMID: 32461654). The variant has been reported in ClinVar (Variation ID: 491595). In silico tools suggest the impact of the variant on splicing is benign, though these predictions have not been confirmed by functional studies. The evidence is insufficient to meet ACMG/AMP criteria for classifying the variant as benign or pathogenic. Thus, the clinical significance of this variant is currently uncertain.

GeneDx
Classification: Uncertain significance. Last evaluated: 2020-05-28. Review status: criteria provided, single submitter. Criteria: GeneDx Variant Classification Process June 2021. Collection method: clinical testing. Allele origin: germline. Affected: yes.
Comment: Has not been previously published as pathogenic or benign to our knowledge; In-silico analysis, which includes splice predictors and evolutionary conservation, is inconclusive as to whether the variant alters gene splicing. In the absence of RNA/functional studies, the actual effect of this sequence change is unknown.; Not observed in large population cohorts (Lek 2016)

Color Diagnostics, LLC DBA Color Health
Classification: Likely benign for Hereditary cancer-predisposing syndrome. Last evaluated: 2016-09-09. Review status: criteria provided, single submitter. Criteria: ACMG Guidelines, 2015. Collection method: clinical testing. Allele origin: germline.